The following is an entry in ClinVar:

NM_198525.3(KIF7):c.3560A>G (p.Glu1187Gly)

Genes: KIF7 (kinesin family member 7; minus strand), LOC126862216 (BRD4-independent group 4 enhancer GRCh37_chr15:90171995-90173194; plus strand). Cytogenetic location: 15q26.1.
Variant type: single nucleotide variant.
Coding change: c.3560A>G on transcript NM_198525.3 (MANE Select); coding-DNA position 3560, A replaced by G.
Protein change: p.Glu1187Gly; replaces glutamic acid 1187 with glycine.
Molecular consequence: missense variant.
Genome position (GRCh38, 1-based): chr15:89,629,080, T>C on the plus strand (A>G on the coding strand, the complement: KIF7 is on the minus strand). VCF-style: chr15-89629080-T-C. GRCh37 (hg19) VCF-style: chr15-90172311-T-C.
Other names: short protein forms E1187G.
Identifiers: ClinVar variation 1425362 (VCV001425362.10), dbSNP rs775574580, ClinGen allele CA7727634.

ClinVar aggregate classification (germline): Uncertain significance (1 of 4 stars; one submission).

Conditions:
Acrocallosal syndrome (ACLS). Also called: HALLUX DUPLICATION, POSTAXIAL POLYDACTYLY, AND ABSENCE OF CORPUS CALLOSUM; Schinzel syndrome 1; Absence of corpus callosum with unusual facial appearance, mental deficiency, duplication of the halluces and polydactyly. Identifiers: Orphanet 36, MedGen C0796147, MONDO:0008708, OMIM 200990.

Allele frequency attached by ClinVar (database versions not stated): gnomAD exomes below 0.00001 and 0.00001; ExAC 0.00001.

Submission:

Labcorp Genetics (formerly Invitae), Labcorp
Classification: Uncertain significance for Acrocallosal syndrome. Last evaluated: 2022-07-19. Review status: criteria provided, single submitter. Criteria: Invitae Variant Classification Sherloc (09022015). Collection method: clinical testing. Allele origin: germline.
Comment: In summary, the available evidence is currently insufficient to determine the role of this variant in disease. Therefore, it has been classified as a Variant of Uncertain Significance. Algorithms developed to predict the effect of missense changes on protein structure and function are either unavailable or do not agree on the potential impact of this missense change (SIFT: "Deleterious"; PolyPhen-2: "Probably Damaging"; Align-GVGD: "Class C0"). ClinVar contains an entry for this variant (Variation ID: 1425362). This variant has not been reported in the literature in individuals affected with KIF7-related conditions. This variant is present in population databases (rs775574580, gnomAD 0.006%). This sequence change replaces glutamic acid, which is acidic and polar, with glycine, which is neutral and non-polar, at codon 1187 of the KIF7 protein (p.Glu1187Gly).